The following is an entry in ClinVar:

ClinVar aggregate classification (germline): Uncertain significance (1 of 4 stars; one submission).

gnomAD v4.1: 1 of 1,613,780 alleles (0.000062%); highest among the groups gnomAD compares: Non-Finnish European, 0.000085%; no homozygotes.

Submission:

Labcorp Genetics (formerly Invitae), Labcorp
Classification: Uncertain significance. Last evaluated: 2022-06-28. Review status: criteria provided, single submitter. Criteria: Invitae Variant Classification Sherloc (09022015). Collection method: clinical testing. Allele origin: germline.
Comment: This variant is not present in population databases (gnomAD no frequency). This sequence change replaces glutamic acid, which is acidic and polar, with glutamine, which is neutral and polar, at codon 237 of the VAC14 protein (p.Glu237Gln). This variant has not been reported in the literature in individuals affected with VAC14-related conditions. Algorithms developed to predict the effect of missense changes on protein structure and function are either unavailable or do not agree on the potential impact of this missense change (SIFT: "Deleterious"; PolyPhen-2: "Possibly Damaging"; Align-GVGD: "Class C0"). In summary, the available evidence is currently insufficient to determine the role of this variant in disease. Therefore, it has been classified as a Variant of Uncertain Significance.

NM_018052.5(VAC14):c.709G>C (p.Glu237Gln)

Gene: VAC14 (VAC14 component of PIKFYVE complex; minus strand). Cytogenetic location: 16q22.1.
Variant type: single nucleotide variant.
Coding change: c.709G>C on transcript NM_018052.5 (MANE Select); coding-DNA position 709, G replaced by C.
Protein change: p.Glu237Gln; replaces glutamic acid 237 with glutamine.
Molecular consequence: missense variant.
Genome position (GRCh38, 1-based): chr16:70,783,135, C>G on the plus strand (G>C on the coding strand, the complement: VAC14 is on the minus strand). VCF-style: chr16-70783135-C-G. GRCh37 (hg19) VCF-style: chr16-70817038-C-G.
Other names: c.7G>C, p.Glu3Gln (NM_001351157.2); short protein forms E237Q, E3Q.
Identifiers: ClinVar variation 2164781 (VCV002164781.4), dbSNP rs772499079, ClinGen allele CA396609369.